The following is an entry in ClinVar:

ClinVar aggregate classification (germline): Conflicting classifications of pathogenicity. Review status: criteria provided, conflicting classifications (1 of 4 stars). 3 submissions from 3 submitters: Uncertain significance (2); Likely benign (1). Last evaluated 2025-06-15.

Conditions:
Inborn genetic diseases. Identifiers: MedGen C0950123, MeSH D030342.

Allele frequency attached by ClinVar (database versions not stated): gnomAD exomes 0.00001; ExAC 0.00002; TOPMed 0.00002; gnomAD 0.00003 and 0.00004; ESP Exome Variant Server 0.00008.
gnomAD v4.1: 9 of 1,613,978 alleles (0.00056%); highest among the groups gnomAD compares: African/African-American, 0.008%; no homozygotes.

Submissions (3):

Labcorp Genetics (formerly Invitae), Labcorp
Classification: Likely benign. Last evaluated: 2025-06-15. Review status: criteria provided, single submitter. Criteria: Invitae Variant Classification Sherloc (09022015). Collection method: clinical testing. Allele origin: germline.

GeneDx
Classification: Uncertain significance. Last evaluated: 2025-05-01. Review status: criteria provided, single submitter. Criteria: GeneDx Variant Classification Process June 2021. Collection method: clinical testing. Allele origin: germline. Affected: yes.
Comment: Not observed at significant frequency in large population cohorts (gnomAD); In silico analysis supports that this missense variant has a deleterious effect on protein structure/function; Has not been previously published as pathogenic or benign to our knowledge; This variant is associated with the following publications: (PMID: 26226137)

Ambry Genetics
Classification: Uncertain significance for Inborn genetic diseases. Last evaluated: 2023-12-28. Review status: criteria provided, single submitter. Criteria: Ambry Variant Classification Scheme 2023. Collection method: clinical testing. Allele origin: germline.

NM_080680.3(COL11A2):c.3679C>T (p.Pro1227Ser)

Gene: COL11A2 (collagen type XI alpha 2 chain; minus strand). Cytogenetic location: 6p21.32.
Variant type: single nucleotide variant.
Coding change: c.3679C>T on transcript NM_080680.3 (MANE Select); coding-DNA position 3679, C replaced by T.
Protein change: p.Pro1227Ser; replaces proline 1227 with serine.
Molecular consequence: missense variant.
Genome position (GRCh38, 1-based): chr6:33,169,842, G>A on the plus strand (C>T on the coding strand, the complement: COL11A2 is on the minus strand). VCF-style: chr6-33169842-G-A. GRCh37 (hg19) VCF-style: chr6-33137619-G-A.
Other names: c.3358C>T, p.Pro1120Ser (NM_080679.3); c.3421C>T, p.Pro1141Ser (NM_080681.3); short protein forms P1227S, P1120S, P1141S.
Identifiers: ClinVar variation 546304 (VCV000546304.13), dbSNP rs142500487, ClinGen allele CA3750415.
Genomic context (GRCh38, chr6:33,169,842, plus strand): 5'-GAGGCGGGTGACGGGGACTGGGGAGTAAGGCCTTGGAGCTGTCACTCACCTTGACACCTG[G>A]CTCGCCCTGGATCCCTGGAGATCCTGACTCTCCTGGTTCCCCCTGCAAAGAGATTAGAGT-3'
Protein context (NP_542411.2, residues 1217-1237): ESGSPGIQGE[Pro1227Ser]GVKGPRGERG